The following is an entry in ClinVar:

NM_032603.5(LOXL3):c.745G>A (p.Val249Met)

Gene: LOXL3 (lysyl oxidase like 3; minus strand). Cytogenetic location: 2p13.1.
Variant type: single nucleotide variant.
Coding change: c.745G>A on transcript NM_032603.5 (MANE Select); coding-DNA position 745, G replaced by A.
Protein change: p.Val249Met; replaces valine 249 with methionine.
Molecular consequence: missense variant. On other transcripts: intron variant (2).
Genome position (GRCh38, 1-based): chr2:74,536,876, C>T on the plus strand (G>A on the coding strand, the complement: LOXL3 is on the minus strand). VCF-style: chr2-74536876-C-T. GRCh37 (hg19) VCF-style: chr2-74764003-C-T.
Other names: c.478-405G>A (NM_001289164.3); c.-171-405G>A (NM_001289165.2); c.745G>A (NM_032603.2); short protein forms V249M.
Identifiers: ClinVar variation 1409154 (VCV001409154.7), dbSNP rs778516841, ClinGen allele CA1729093.

ClinVar aggregate classification (germline): Conflicting classifications of pathogenicity. Review status: criteria provided, conflicting classifications (1 of 4 stars). 2 submissions from 2 submitters: Uncertain significance (1); Likely benign (1). Last evaluated 2025-08-08.

Allele frequency attached by ClinVar (database versions not stated): ExAC 0.00001; gnomAD exomes 0.00001; gnomAD 0.00005; TOPMed 0.00005.
gnomAD v4.1: 17 of 1,614,088 alleles (0.0011%); highest among the groups gnomAD compares: African/African-American, 0.011%; no homozygotes.

Submissions (2):

Ambry Genetics
Classification: Likely benign. Last evaluated: 2025-08-08. Review status: criteria provided, single submitter. Criteria: Ambry Variant Classification Scheme 2023. Collection method: clinical testing. Allele origin: germline.

Labcorp Genetics (formerly Invitae), Labcorp
Classification: Uncertain significance. Last evaluated: 2021-02-08. Review status: criteria provided, single submitter. Criteria: Invitae Variant Classification Sherloc (09022015). Collection method: clinical testing. Allele origin: germline.
Comment: This variant has not been reported in the literature in individuals with LOXL3-related conditions. In summary, the available evidence is currently insufficient to determine the role of this variant in disease. Therefore, it has been classified as a Variant of Uncertain Significance. Algorithms developed to predict the effect of missense changes on protein structure and function output the following: SIFT: "Tolerated"; PolyPhen-2: "Benign"; Align-GVGD: "Class C0". The methionine amino acid residue is found in multiple mammalian species, suggesting that this missense change does not adversely affect protein function. These predictions have not been confirmed by published functional studies and their clinical significance is uncertain. This variant is present in population databases (rs778516841, ExAC no frequency). This sequence change replaces valine with methionine at codon 249 of the LOXL3 protein (p.Val249Met). The valine residue is moderately conserved and there is a small physicochemical difference between valine and methionine.